The following is an entry in ClinVar:

NM_000218.3(KCNQ1):c.1454_1458del (p.Ser484_Phe485insTer)

Genes: KCNQ1OT1 (KCNQ1 opposite strand/antisense transcript 1; minus strand), KCNQ1 (potassium voltage-gated channel subfamily Q member 1; plus strand). Cytogenetic location: 11p15.5.
Variant type: Deletion.
Coding change: c.1454_1458del on transcript NM_000218.3 (MANE Select); coding-DNA positions 1454 to 1458, 5 bases deleted (TCGCC; older notation c.1454_1458delTCGCC).
Protein change: p.Ser484_Phe485insTer.
Molecular consequence: nonsense. On other transcripts: non-coding transcript variant (1).
Genome position (GRCh38, 1-based): chr11:2,662,021-2,662,025, TCGCC deleted. VCF-style (leftmost placement, unchanged base first): chr11-2662020-TTCGCC-T. GRCh37 (hg19) VCF-style: chr11-2683250-TTCGCC-T.
Other names: c.1358_1362del, p.Ser452_Phe453insTer (NM_001406836.1); c.1184_1188del, p.Ser394_Phe395insTer (NM_001406837.1); c.914_918del, p.Ser304_Phe305insTer (NM_001406838.1); c.1073_1077del, p.Ser357_Phe358insTer (NM_181798.2).
Identifiers: ClinVar variation 3893245 (VCV003893245.1).

ClinVar aggregate classification (germline): Likely pathogenic (1 of 4 stars; one submission).

Conditions:
Long QT syndrome 1 (LQT1). Identifiers: Orphanet 101016, Orphanet 768, MedGen C4551647, MONDO:0100316, OMIM 192500, MONDO:0008646.

Submission:

Illumina Laboratory Services, Illumina
Classification: Likely pathogenic for Long QT syndrome 1. Last evaluated: 2024-01-17. Review status: criteria provided, single submitter. Criteria: ICSLVariantClassificationCriteria RUGD 01 April 2020. Collection method: clinical testing. Allele origin: unknown.
Comment: The KCNQ1 c.1451_1458delinsT p.(Ser484MetfsTer12), variant causes a shift in the protein reading frame that is predicted to result in premature termination of the protein. Loss of normal protein function through either protein truncation or nonsense-mediated mRNA decay is expected. To our knowledge, this variant has not been reported in the peer-reviewed literature. This variant is not observed in version 2.1.1 or version 4.0.0 of the Genome Aggregation Database. Based on the available evidence, the c.1451_1458delinsT p.(Ser484Metfs*12) variant is classified as likely pathogenic for long QT syndrome.